The following is an entry in ClinVar:

ClinVar aggregate classification (germline): Uncertain significance (1 of 4 stars; one submission).

gnomAD v4.1: 1 of 1,612,148 alleles (0.000062%); highest among the groups gnomAD compares: Admixed American, 0.0017%; no homozygotes.

Submission:

Labcorp Genetics (formerly Invitae), Labcorp
Classification: Uncertain significance. Last evaluated: 2022-05-11. Review status: criteria provided, single submitter. Criteria: Invitae Variant Classification Sherloc (09022015). Collection method: clinical testing. Allele origin: germline.
Comment: This sequence change replaces glutamic acid, which is acidic and polar, with aspartic acid, which is acidic and polar, at codon 739 of the MYO7A protein (p.Glu739Asp). The frequency data for this variant in the population databases is considered unreliable, as metrics indicate poor data quality at this position in the gnomAD database. In summary, the available evidence is currently insufficient to determine the role of this variant in disease. Therefore, it has been classified as a Variant of Uncertain Significance. Advanced modeling of protein sequence and biophysical properties (such as structural, functional, and spatial information, amino acid conservation, physicochemical variation, residue mobility, and thermodynamic stability) performed at Invitae indicates that this missense variant is not expected to disrupt MYO7A protein function. This variant has not been reported in the literature in individuals affected with MYO7A-related conditions.

NM_000260.4(MYO7A):c.2217G>T (p.Glu739Asp)

Gene: MYO7A (myosin VIIA; plus strand). Cytogenetic location: 11q13.5.
Variant type: single nucleotide variant.
Coding change: c.2217G>T on transcript NM_000260.4 (MANE Select); coding-DNA position 2217, G replaced by T.
Protein change: p.Glu739Asp; replaces glutamic acid 739 with aspartic acid.
Molecular consequence: missense variant.
Genome position (GRCh38, 1-based): chr11:77,177,578, G>T. VCF-style: chr11-77177578-G-T. GRCh37 (hg19) VCF-style: chr11-76888624-G-T.
Other names: c.2217G>T, p.Glu739Asp (NM_001127180.2); c.2184G>T, p.Glu728Asp (NM_001369365.1); short protein forms E728D, E739D.
Identifiers: ClinVar variation 1965120 (VCV001965120.5), dbSNP rs1555080713, ClinGen allele CA381940425.